The following is an entry in ClinVar:

NM_000038.6(APC):c.4468C>T (p.His1490Tyr)

Gene: APC (APC regulator of Wnt signaling pathway; plus strand). Cytogenetic location: 5q22.2.
Variant type: single nucleotide variant.
Coding change: c.4468C>T on transcript NM_000038.6 (MANE Select); coding-DNA position 4468, C replaced by T.
Protein change: p.His1490Tyr; replaces histidine 1490 with tyrosine.
Molecular consequence: missense variant.
Genome position (GRCh38, 1-based): chr5:112,840,062, C>T. VCF-style: chr5-112840062-C-T. GRCh37 (hg19) VCF-style: chr5-112175759-C-T.
Other names: c.4195C>T, p.His1399Tyr (NM_001354902.2); c.4165C>T, p.His1389Tyr (NM_001354903.2); c.4291C>T, p.His1431Tyr (NM_001354901.2); c.4384C>T, p.His1462Tyr (NM_001354899.2); c.4345C>T, p.His1449Tyr (NM_001354900.2); c.4393C>T, p.His1465Tyr (NM_001354898.2); c.4468C>T, p.His1490Tyr (NM_001127510.3, NM_001354895.2); c.4414C>T, p.His1472Tyr (NM_001127511.3); and 5 more; short protein forms H1472Y, H1490Y, H1207Y, H1364Y, H1389Y, H1462Y, H1465Y, H1508Y.
Identifiers: ClinVar variation 630506 (VCV000630506.6), dbSNP rs1561592713, ClinGen allele CA16031111.

ClinVar aggregate classification (germline): Uncertain significance. Review status: criteria provided, multiple submitters, no conflicts (2 of 4 stars). 2 submissions from 2 submitters: Uncertain significance (2). Last evaluated 2023-09-10.

Conditions:
Hereditary cancer-predisposing syndrome. Also called: Tumor predisposition; Neoplastic Syndromes, Hereditary; Hereditary neoplastic syndrome; Hereditary Cancer Syndrome. Identifiers: Orphanet 140162, MedGen C0027672, MeSH D009386, MONDO:0015356.
Familial adenomatous polyposis 1 (FAP1). Also called: POLYPOSIS, ADENOMATOUS INTESTINAL; FAMILIAL ADENOMATOUS POLYPOSIS 1, ATTENUATED. Identifiers: MedGen C2713442, MONDO:0021056, OMIM 175100. Disease mechanism: loss of function.

Submissions (2):

Labcorp Genetics (formerly Invitae), Labcorp
Classification: Uncertain significance for Familial adenomatous polyposis 1. Last evaluated: 2023-09-10. Review status: criteria provided, single submitter. Criteria: Invitae Variant Classification Sherloc (09022015). Collection method: clinical testing. Allele origin: germline.
Comment: This sequence change replaces histidine, which is basic and polar, with tyrosine, which is neutral and polar, at codon 1490 of the APC protein (p.His1490Tyr). This variant is not present in population databases (gnomAD no frequency). This variant has not been reported in the literature in individuals affected with APC-related conditions. ClinVar contains an entry for this variant (Variation ID: 630506). Advanced modeling of protein sequence and biophysical properties (such as structural, functional, and spatial information, amino acid conservation, physicochemical variation, residue mobility, and thermodynamic stability) performed at Invitae indicates that this missense variant is not expected to disrupt APC protein function. In summary, the available evidence is currently insufficient to determine the role of this variant in disease. Therefore, it has been classified as a Variant of Uncertain Significance.

Color Diagnostics, LLC DBA Color Health
Classification: Uncertain significance for Hereditary cancer-predisposing syndrome. Last evaluated: 2019-01-24. Review status: criteria provided, single submitter. Criteria: ACMG Guidelines, 2015. Collection method: clinical testing. Allele origin: germline.